The following is an entry in ClinVar:

ClinVar aggregate classification (germline): Uncertain significance (1 of 4 stars; one submission).

Submission:

Labcorp Genetics (formerly Invitae), Labcorp
Classification: Uncertain significance. Last evaluated: 2025-08-01. Review status: criteria provided, single submitter. Criteria: Invitae Variant Classification Sherloc (09022015). Collection method: clinical testing. Allele origin: germline.
Comment: This sequence change replaces arginine, which is basic and polar, with tryptophan, which is neutral and slightly polar, at codon 127 of the GANAB protein (p.Arg127Trp). This variant is present in population databases (no rsID available, gnomAD 0.004%). This variant has not been reported in the literature in individuals affected with GANAB-related conditions. An algorithm developed to predict the effect of missense changes on protein structure and function (PolyPhen-2) suggests that this variant is likely to be tolerated. In summary, the available evidence is currently insufficient to determine the role of this variant in disease. Therefore, it has been classified as a Variant of Uncertain Significance.

NM_198334.3(GANAB):c.379C>T (p.Arg127Trp)

Gene: GANAB (glucosidase II alpha subunit; minus strand). Cytogenetic location: 11q12.3.
Variant type: single nucleotide variant.
Coding change: c.379C>T on transcript NM_198334.3 (MANE Select); coding-DNA position 379, C replaced by T.
Protein change: p.Arg127Trp; replaces arginine 127 with tryptophan.
Molecular consequence: missense variant. On other transcripts: 5 prime UTR variant (2), intron variant (2).
Genome position (GRCh38, 1-based): chr11:62,638,984, G>A on the plus strand (C>T on the coding strand, the complement: GANAB is on the minus strand). VCF-style: chr11-62638984-G-A. GRCh37 (hg19) VCF-style: chr11-62406456-G-A.
Other names: c.88C>T, p.Arg30Trp (NM_001278194.2, NM_001329222.2, NM_001329223.2); c.-398C>T (NM_001329224.2, NM_001329225.2); c.379C>T, p.Arg127Trp (NM_198335.4); c.39-3984C>T (NM_001278193.2, NM_001278192.2); short protein forms R30W, R127W.
Identifiers: ClinVar variation 4698279 (VCV004698279.1).